The following is an entry in ClinVar:

NM_001104631.2(PDE4D):c.787A>G (p.Ile263Val)

Gene: PDE4D (phosphodiesterase 4D; minus strand). Cytogenetic location: 5q11.2.
Variant type: single nucleotide variant.
Coding change: c.787A>G on transcript NM_001104631.2 (MANE Select); coding-DNA position 787, A replaced by G.
Protein change: p.Ile263Val; replaces isoleucine 263 with valine.
Molecular consequence: missense variant. On other transcripts: 5 prime UTR variant (1).
Genome position (GRCh38, 1-based): chr5:59,180,616, T>C on the plus strand (A>G on the coding strand, the complement: PDE4D is on the minus strand). VCF-style: chr5-59180616-T-C. GRCh37 (hg19) VCF-style: chr5-58476442-T-C.
Other names: c.604A>G, p.Ile202Val (NM_001165899.2, NM_001364599.1, NM_001364600.2); c.595A>G, p.Ile199Val (NM_001197218.2, NM_001364602.2); c.421A>G, p.Ile141Val (NM_001197219.2); c.397A>G, p.Ile133Val (NM_001197220.2); c.574A>G, p.Ile192Val (NM_001349241.2); c.457A>G, p.Ile153Val (NM_001349242.2); c.19A>G, p.Ile7Val (NM_001349243.2, NM_001364604.1); c.-164A>G (NM_001364603.1); and 1 more; short protein forms I133V, I202V, I263V, I141V, I127V, I192V, I199V, I153V.
Identifiers: ClinVar variation 3675936 (VCV003675936.2).
Genomic context (GRCh38, chr5:59,180,616, plus strand): 5'-TCCTAGACACATGAAGAATAAGCTCCAGATCTTTCTTACCTGTTATGGTGGCTTTGTTGA[T>C]GGATGGTTGGTTGCACATGGGTGATCTTCTGACAAAGACAGAAAAACACAAAGCAGTAAA-3'
Protein context (NP_001098101.1, residues 253-273): KRSPMCNQPS[Ile263Val]NKATITEEAY

ClinVar aggregate classification (germline): Uncertain significance (1 of 4 stars; one submission).

Submission:

Labcorp Genetics (formerly Invitae), Labcorp
Classification: Uncertain significance. Last evaluated: 2025-11-19. Review status: criteria provided, single submitter. Criteria: Invitae Variant Classification Sherloc (09022015). Collection method: clinical testing. Allele origin: germline.
Comment: This sequence change replaces isoleucine, which is neutral and non-polar, with valine, which is neutral and non-polar, at codon 263 of the PDE4D protein (p.Ile263Val). This variant is not present in population databases (gnomAD no frequency). This variant has not been reported in the literature in individuals affected with PDE4D-related conditions. ClinVar contains an entry for this variant (Variation ID: 3675936). Invitae Evidence Modeling of protein sequence and biophysical properties (such as structural, functional, and spatial information, amino acid conservation, physicochemical variation, residue mobility, and thermodynamic stability) indicates that this missense variant is not expected to disrupt PDE4D protein function with a negative predictive value of 80%. In summary, the available evidence is currently insufficient to determine the role of this variant in disease. Therefore, it has been classified as a Variant of Uncertain Significance.